The following is an entry in ClinVar:

ClinVar aggregate classification (germline): Likely pathogenic (1 of 4 stars; one submission).

Conditions:
Buratti-Harel syndrome. Identifiers: MedGen C5543351, MONDO:0859144, OMIM 619314.

Submission:

New York Genome Center
Classification: Likely pathogenic for Buratti-Harel syndrome. Last evaluated: 2022-11-23. Review status: criteria provided, single submitter. Criteria: NYGC Assertion Criteria 2020. Collection method: clinical testing. Allele origin: de novo. Affected: yes. Observed: 1 heterozygote. Study: PrenatalSEQ.
Comment: The c.361dup variant in SIAH1 has not previously been reported in the literature or public variant repositories (ClinVar and LOVD), and it is absent from population databases (gnomAD v2.1.1 and v3.1.2, TOPMed Freeze 8, All of Us), suggesting it is not a common benign variant in the populations represented in those databases; however, there are other truncating variant carriers in exon 2 in gnomAD v2.1.1 dataset. The c.361dup variant in SIAH1 is located in exon 2 of this 2-exon gene, and is predicted to result in loss of >10% of this 282-amino acid long protein (p.Cys121LeufsTer2). Personal communication with an external expert provided previously unpublished clinical information of two individuals with neurodevelopmental disorders who were found to harbor de novo and not-maternally-inherited, respectively, truncating variants in exon 2. Based on recent evidence this de novo heterozygous c.361dup p.(Cys121LeufsTer2) variant identified in SIAH1 is classified here as Likely pathogenic.

NM_003031.4(SIAH1):c.361dup (p.Cys121fs)

Genes: LONP2 (lon peptidase 2, peroxisomal; plus strand), SIAH1 (siah E3 ubiquitin protein ligase 1; minus strand). Cytogenetic location: 16q12.1.
Variant type: Duplication.
Coding change: c.361dup on transcript NM_003031.4 (MANE Select); coding-DNA position 361, one base duplicated (T; older notation c.361dupT).
Protein change: p.Cys121fs; shifts the reading frame from cysteine 121.
Molecular consequence: frameshift variant. On other transcripts: 3 prime UTR variant (1).
Genome position (GRCh38, 1-based): chr16:48,362,068, A duplicated on the plus strand (T on the coding strand, the reverse complement: SIAH1 is on the minus strand). VCF-style (leftmost placement, unchanged base first): chr16-48362067-C-CA. GRCh37 (hg19) VCF-style: chr16-48395978-C-CA.
Other names: c.454dup, p.Cys152fs (NM_001006610.2); c.*472dup (NM_001348078.2); short protein forms C121fs, C152fs.
Identifiers: ClinVar variation 3235937 (VCV003235937.1), dbSNP rs2544514083, ClinGen allele CA2825002438.
Genomic context (GRCh38, chr16:48,362,067, plus strand): 5'-AGAGAGCCTTGCCATTTACAGGAAGCACCAGGGCACGGACAGGAATAAGGCCTAAACTCA[C>CA]AGAGCTCTTCATGGTCTGCTTTTTCTGTGTGTGGCAGAGTTATTTCACATCCAGAAGACG-3'